The following is an entry in ClinVar:

ClinVar aggregate classification (germline): Likely benign (0 of 4 stars; one submission).

Conditions:
CENPF-related disorder. Also called: CENPF-related condition.

Allele frequency attached by ClinVar (database versions not stated): gnomAD 0.00001; TOPMed 0.00001; ExAC 0.00002; gnomAD exomes 0.00002.
gnomAD v4.1: 32 of 1,613,974 alleles (0.002%); highest among the groups gnomAD compares: South Asian, 0.0077%; no homozygotes.

Submission:

PreventionGenetics, part of Exact Sciences
Classification: Likely benign for CENPF-related condition. Last evaluated: 2019-03-04. Review status: no assertion criteria provided. Collection method: clinical testing. Allele origin: germline.
Comment: This variant is classified as likely benign based on ACMG/AMP sequence variant interpretation guidelines (Richards et al. 2015 PMID: 25741868, with internal and published modifications).

NM_016343.4(CENPF):c.6285C>T (p.Ala2095=)

Gene: CENPF (centromere protein F; plus strand). Cytogenetic location: 1q41.
Variant type: single nucleotide variant.
Coding change: c.6285C>T on transcript NM_016343.4 (MANE Select); coding-DNA position 6285, C replaced by T.
Protein change: p.Ala2095=; no amino-acid change (alanine 2095 retained).
Molecular consequence: synonymous variant.
Genome position (GRCh38, 1-based): chr1:214,645,855, C>T. VCF-style: chr1-214645855-C-T. GRCh37 (hg19) VCF-style: chr1-214819198-C-T.
Identifiers: ClinVar variation 3058613 (VCV003058613.2), dbSNP rs751918676, ClinGen allele CA1390929.
Genomic context (GRCh38, chr1:214,645,855, plus strand): 5'-GCAGGCCAGACTGAGTGAATCAGATTATGAAAAGCTGAATGTCTCCAAGGCCTTGGAGGC[C>T]GCACTGGTGGAGAAAGGTGAGTTCGCATTGAGGCTGAGCTCAACACAGGAGGAAGTGCAT-3'
Protein context (NP_057427.3, residues 2085-2105): EKLNVSKALE[Ala2095=]ALVEKGEFAL